The following is an entry in ClinVar:

NM_001370259.2(MEN1):c.1664G>A (p.Ser555Asn)

Gene: MEN1 (menin 1; minus strand). Cytogenetic location: 11q13.1.
Variant type: single nucleotide variant.
Coding change: c.1664G>A on transcript NM_001370259.2 (MANE Select); coding-DNA position 1664, G replaced by A.
Protein change: p.Ser555Asn; replaces serine 555 with asparagine.
Molecular consequence: missense variant.
Genome position (GRCh38, 1-based): chr11:64,804,503, C>T on the plus strand (G>A on the coding strand, the complement: MEN1 is on the minus strand). VCF-style: chr11-64804503-C-T. GRCh37 (hg19) VCF-style: chr11-64571975-C-T.
Other names: c.1679G>A, p.Ser560Asn (NM_000244.4, NM_130800.3, NM_130801.3 and 3 more transcripts); c.1790G>A, p.Ser597Asn (NM_001370251.2); c.1664G>A, p.Ser555Asn (NM_001370260.2, NM_001370261.2, NM_130799.3); c.1559G>A, p.Ser520Asn (NM_001370262.2, NM_001370263.2); short protein forms S555N, S560N, S597N, S520N.
Identifiers: ClinVar variation 216134 (VCV000216134.23), dbSNP rs863224527, ClinGen allele CA338972.
Genomic context (GRCh38, chr11:64,804,503, plus strand): 5'-ATGGCGCTCGAGTTGATCTTGGTGGCCACCAGCAGCTCCTTCATGCCCTTCATCTTCTCA[C>T]TCTGGAAAGTGAGCACTGGACCCTCCGGCGGTGGTGATGCTGTGGGTGCTGGCACCTGAG-3'
Protein context (NP_001357188.2, residues 545-565): PPEGPVLTFQ[Ser555Asn]EKMKGMKELL

ClinVar aggregate classification (germline): Pathogenic/Likely pathogenic. Review status: criteria provided, multiple submitters, no conflicts (2 of 4 stars). 8 submissions from 8 submitters: Pathogenic (2); Likely pathogenic (6). Last evaluated 2026-01-26.

Conditions:
Hereditary cancer-predisposing syndrome. Also called: Tumor predisposition; Hereditary Cancer Syndrome; Neoplastic Syndromes, Hereditary; Hereditary neoplastic syndrome. Identifiers: Orphanet 140162, MedGen C0027672, MeSH D009386, MONDO:0015356.
Multiple endocrine neoplasia, type 1 (MEN1). Also called: Endocrine adenomatosis multiple; MEN 1; MEN I; WERMER SYNDROME; MEA I. Identifiers: Orphanet 652, MedGen C0025267, MeSH D018761, MONDO:0007540, OMIM 131100.

Submissions (8):

Medical and Scientific Branch, Hong Kong Genome Institute
Classification: Likely pathogenic for Multiple endocrine neoplasia, type 1. Last evaluated: 2026-01-26. Review status: criteria provided, single submitter. Criteria: ACMG Guidelines, 2015. Collection method: clinical testing. Allele origin: unknown. Affected: yes.

Ambry Genetics
Classification: Pathogenic for Hereditary cancer-predisposing syndrome. Last evaluated: 2024-11-11. Review status: criteria provided, single submitter. Criteria: Ambry Variant Classification Scheme 2023. Collection method: clinical testing. Allele origin: germline.
Comment: The p.S555N pathogenic mutation (also known as c.1664G>A), located in coding exon 9 of the MEN1 gene, results from a G to A substitution at nucleotide position 1664. The serine at codon 555 is replaced by asparagine, an amino acid with highly similar properties. This alteration has been reported in numerous families with MEN1-related tumors, including parathyroid, pituitary and endocrine pancreatic tumors (Giraud S et al. Am. J. Hum. Genet. 1998 Aug; 63(2):455-67; Wautot V et al. Hum. Mutat. 2002 Jul; 20(1):35-47; Tso AW et al. Clin. Endocrinol. (Oxf) 2003 Jul; 59(1):129-35; Riechelmann RP et al. Endocr Relat Cancer, 2023 Jun;30:; Fainstein-Day P et al. Medicina (B Aires), 2024;84:433-444). In addition, cell-based functional assays have demonstrated reduced stability and expression of the menin protein compared with wild-type (Yaguchi H et al. Mol. Cell. Biol. 2004 Aug; 24(15):6569-80; Shimazu S et al. Cancer Sci. 2011 Nov; 102(11):2097-102). This amino acid position is highly conserved in available vertebrate species. This variant is considered to be rare based on population cohorts in the Genome Aggregation Database (gnomAD). In addition, the in silico prediction for this alteration is inconclusive. Based on the supporting evidence, this variant is interpreted as a disease-causing mutation.

Labcorp Genetics (formerly Invitae), Labcorp
Classification: Pathogenic for Multiple endocrine neoplasia, type 1. Last evaluated: 2024-07-06. Review status: criteria provided, single submitter. Criteria: Invitae Variant Classification Sherloc (09022015). Collection method: clinical testing. Allele origin: germline.
Comment: This sequence change replaces serine, which is neutral and polar, with asparagine, which is neutral and polar, at codon 555 of the MEN1 protein (p.Ser555Asn). This variant is not present in population databases (gnomAD no frequency). This missense change has been observed in individuals with MEN1 (PMID: 9683585, 15254225). ClinVar contains an entry for this variant (Variation ID: 216134). Advanced modeling of protein sequence and biophysical properties (such as structural, functional, and spatial information, amino acid conservation, physicochemical variation, residue mobility, and thermodynamic stability) performed at Invitae indicates that this missense variant is expected to disrupt MEN1 protein function with a positive predictive value of 95%. Experimental studies have shown that this missense change affects MEN1 function (PMID: 15254225, 21819486). For these reasons, this variant has been classified as Pathogenic.

Quest Diagnostics Nichols Institute San Juan Capistrano
Classification: Likely pathogenic. Last evaluated: 2024-01-30. Review status: criteria provided, single submitter. Criteria: Quest Diagnostics criteria. Collection method: clinical testing. Allele origin: unknown.
Comment: The MEN1 c.1664G>A (p.Ser555Asn) variant has been reported in the published literature in individuals affected with MEN1 syndrome in the published literature (PMID: 9683585 (1998), 12112656 (2002), 12807514 (2003)). Functional studies indicated this variant causes reduced protein stability due to rapid degradation by the proteasome pathway (PMID: 15254225 (2004), 21819486 (2011), 22090276 (2012)).This variant has not been reported in large, multi-ethnic general populations (Genome Aggregation Database). Analysis of this variant using bioinformatics tools for the prediction of the effect of amino acid changes on protein structure and function yielded predictions that this variant is damaging. Based on the available information, this variant is classified as likely pathogenic.

Women's Health and Genetics/Laboratory Corporation of America, LabCorp
Classification: Likely pathogenic for Multiple endocrine neoplasia, type 1. Last evaluated: 2023-12-04. Review status: criteria provided, single submitter. Criteria: LabCorp Variant Classification Summary - May 2015. Collection method: clinical testing. Allele origin: germline.
Comment: Variant summary: MEN1 c.1664G>A (p.Ser555Asn) results in a conservative amino acid change in the encoded protein sequence. Four of five in-silico tools predict a damaging effect of the variant on protein function. The variant was absent in 251390 control chromosomes. c.1664G>A has been reported in the literature in individuals affected with Multiple Endocrine Neoplasia Type 1 (Giraud_1998, Tso_2003, Wautot_2002). At least one publication reports experimental evidence evaluating an impact on protein function demonstrating a decrease in expression levels (Yaguchi_2004, Shimazu_2011). The following publications have been ascertained in the context of this evaluation (PMID: 9683585, 21819486, 12807514, 12112656, 15254225). Four submitters have cited clinical-significance assessments for this variant to ClinVar after 2014. All submitters classified the variant as pathogenic/likely pathogenic. Based on the evidence outlined above, the variant was classified as likely pathogenic.

Myriad Genetics, Inc.
Classification: Likely pathogenic for Multiple endocrine neoplasia, type 1. Last evaluated: 2023-10-09. Review status: criteria provided, single submitter. Criteria: Myriad Autosomal Dominant, Autosomal Recessive and X-Linked Classification Criteria (2023). Collection method: clinical testing. Allele origin: unknown.
Comment: This variant is considered likely pathogenic. This variant has been reported in multiple individuals with clinical features of gene-specific disease [PMID: 12112656, 9683585, 12807514]. Functional studies indicate this variant impacts protein function [PMID: 21819486, 22090276]. This variant is expected to disrupt protein structure [Myriad internal data].

Mendelics
Classification: Likely pathogenic for Multiple endocrine neoplasia, type 1. Last evaluated: 2018-07-02. Review status: criteria provided, single submitter. Criteria: Mendelics Assertion Criteria 2017. Collection method: clinical testing. Allele origin: unknown.

ARUP Laboratories, Molecular Genetics and Genomics, ARUP Laboratories
Classification: Likely pathogenic. Last evaluated: 2017-01-05. Review status: criteria provided, single submitter. Criteria: ARUP Molecular Germline Variant Investigation Process. Collection method: clinical testing. Allele origin: germline.

Literature cited by the submitters: PubMed 10617276 (cited by Ambry Genetics); PubMed 12112656 (cited by 4 submitters); PubMed 12807514 (cited by 4 submitters); PubMed 15254225 (cited by 4 submitters); PubMed 21819486 (cited by 5 submitters); PubMed 22090276 (cited by 3 submitters); PubMed 36947458 (cited by Ambry Genetics); PubMed 38907957 (cited by Ambry Genetics); PubMed 9683585 (cited by 5 submitters); PubMed 10730900 (cited by Quest Diagnostics Nichols Institute San Juan Capistrano); PubMed 17879353 (cited by Quest Diagnostics Nichols Institute San Juan Capistrano).